The following is an entry in ClinVar:

NM_001375567.1(FOCAD):c.2372G>A (p.Arg791His)

Gene: FOCAD (focadhesin; plus strand). Cytogenetic location: 9p21.3.
Variant type: single nucleotide variant.
Coding change: c.2372G>A on transcript NM_001375567.1 (MANE Select); coding-DNA position 2372, G replaced by A.
Protein change: p.Arg791His; replaces arginine 791 with histidine.
Molecular consequence: missense variant.
Genome position (GRCh38, 1-based): chr9:20,881,925, G>A. VCF-style: chr9-20881925-G-A. GRCh37 (hg19) VCF-style: chr9-20881924-G-A.
Other names: c.2267G>A, p.Arg756His (NM_001375568.1, NM_001375570.1); c.2372G>A, p.Arg791His (NM_017794.5); short protein forms R756H, R791H.
Identifiers: ClinVar variation 4803840 (VCV004803840.1).

ClinVar aggregate classification (germline): Uncertain significance (1 of 4 stars; one submission).

gnomAD v4.1: 23 of 1,613,650 alleles (0.0014%); highest among the groups gnomAD compares: Admixed American, 0.017%; no homozygotes.

Submission:

Labcorp Genetics (formerly Invitae), Labcorp
Classification: Uncertain significance. Last evaluated: 2025-04-02. Review status: criteria provided, single submitter. Criteria: Invitae Variant Classification Sherloc (09022015). Collection method: clinical testing. Allele origin: germline.
Comment: This sequence change replaces arginine, which is basic and polar, with histidine, which is basic and polar, at codon 791 of the FOCAD protein (p.Arg791His). This variant is present in population databases (rs772467169, gnomAD 0.02%). This variant has not been reported in the literature in individuals affected with FOCAD-related conditions. Experimental studies and prediction algorithms are not available or were not evaluated, and the functional significance of this variant is currently unknown. In summary, the available evidence is currently insufficient to determine the role of this variant in disease. Therefore, it has been classified as a Variant of Uncertain Significance.